The following is an entry in ClinVar:

ClinVar aggregate classification (germline): Uncertain significance (1 of 4 stars; one submission).

Conditions:
Pitt-Hopkins-like syndrome 2 (PTHSL2). Identifiers: Orphanet 221150, Orphanet 600663, MedGen C3280479, MONDO:0013690, OMIM 614325.

Submission:

Labcorp Genetics (formerly Invitae), Labcorp
Classification: Uncertain significance for Pitt-Hopkins-like syndrome 2. Last evaluated: 2020-08-20. Review status: criteria provided, single submitter. Criteria: Invitae Variant Classification Sherloc (09022015). Collection method: clinical testing. Allele origin: germline.
Comment: This variant is not present in population databases (ExAC no frequency). In summary, the available evidence is currently insufficient to determine the role of this variant in disease. Therefore, it has been classified as a Variant of Uncertain Significance. Algorithms developed to predict the effect of missense changes on protein structure and function are either unavailable or do not agree on the potential impact of this missense change (SIFT: "Deleterious"; PolyPhen-2: "Benign"; Align-GVGD: "Class C0"). This variant has not been reported in the literature in individuals with NRXN1-related conditions. This sequence change replaces isoleucine with valine at codon 282 of the NRXN1 protein (p.Ile282Val). The isoleucine residue is weakly conserved and there is a small physicochemical difference between isoleucine and valine.

NM_001330078.2(NRXN1):c.772+1104A>G

Gene: NRXN1 (neurexin 1; minus strand). Cytogenetic location: 2p16.3.
Variant type: single nucleotide variant.
Coding change: c.772+1104A>G on transcript NM_001330078.2 (MANE Select); 1104 bases into the intron after coding-DNA position 772, A replaced by G.
Molecular consequence: intron variant. On other transcripts: missense variant (1).
Genome position (GRCh38, 1-based): chr2:51,026,398, T>C on the plus strand (A>G on the coding strand, the complement: NRXN1 is on the minus strand). VCF-style: chr2-51026398-T-C. GRCh37 (hg19) VCF-style: chr2-51253536-T-C.
Other names: c.844A>G, p.Ile282Val (NM_001135659.3); c.772+1104A>G (NM_001330096.2, NM_001330087.2, NM_001330083.2 and 14 more transcripts); short protein forms I282V.
Identifiers: ClinVar variation 1053965 (VCV001053965.9), dbSNP rs2105318200, ClinGen allele CA346823085.